The following is an entry in ClinVar:

ClinVar aggregate classification (germline): Uncertain significance (1 of 4 stars; one submission).

Allele frequency attached by ClinVar (database versions not stated): TOPMed 0.00001; gnomAD 0.00002; ExAC 0.00003.
gnomAD v4.1: 24 of 1,614,072 alleles (0.0015%); highest among the groups gnomAD compares: South Asian, 0.018%; no homozygotes.

Submission:

Ambry Genetics
Classification: Uncertain significance. Last evaluated: 2023-08-05. Review status: criteria provided, single submitter. Criteria: Ambry Variant Classification Scheme 2023. Collection method: clinical testing. Allele origin: germline.
Comment: The p.I1860N variant (also known as c.5579T>A), located in coding exon 6 of the ALPK2 gene, results from a T to A substitution at nucleotide position 5579. The isoleucine at codon 1860 is replaced by asparagine, an amino acid with dissimilar properties. This amino acid position is conserved. In addition, the in silico prediction for this alteration is inconclusive. Since supporting evidence is limited at this time, the clinical significance of this alteration remains unclear.

NM_052947.4(ALPK2):c.5579T>A (p.Ile1860Asn)

Gene: ALPK2 (alpha kinase 2; minus strand). Cytogenetic location: 18q21.31.
Variant type: single nucleotide variant.
Coding change: c.5579T>A on transcript NM_052947.4 (MANE Select); coding-DNA position 5579, T replaced by A.
Protein change: p.Ile1860Asn; replaces isoleucine 1860 with asparagine.
Molecular consequence: missense variant.
Genome position (GRCh38, 1-based): chr18:58,523,985, A>T on the plus strand (T>A on the coding strand, the complement: ALPK2 is on the minus strand). VCF-style: chr18-58523985-A-T. GRCh37 (hg19) VCF-style: chr18-56191217-A-T.
Other names: short protein forms I1860N.
Identifiers: ClinVar variation 1748402 (VCV001748402.3), dbSNP rs746401421, ClinGen allele CA8976441.